The following is an entry in ClinVar:

NM_001098816.3(TENM4):c.6110C>T (p.Thr2037Met)

Gene: TENM4 (teneurin transmembrane protein 4; minus strand). Cytogenetic location: 11q14.1.
Variant type: single nucleotide variant.
Coding change: c.6110C>T on transcript NM_001098816.3 (MANE Select); coding-DNA position 6110, C replaced by T.
Protein change: p.Thr2037Met; replaces threonine 2037 with methionine.
Molecular consequence: missense variant.
Genome position (GRCh38, 1-based): chr11:78,670,235, G>A on the plus strand (C>T on the coding strand, the complement: TENM4 is on the minus strand). VCF-style: chr11-78670235-G-A. GRCh37 (hg19) VCF-style: chr11-78381280-G-A.
Other names: short protein forms T2037M.
Identifiers: ClinVar variation 3058127 (VCV003058127.3), dbSNP rs370873891, ClinGen allele CA6206474.
Genomic context (GRCh38, chr11:78,670,235, plus strand): 5'-TAGCGGATGGTGCAGGTGAAGCCCTCATTCTGTAGGTTGATGGTCTTCAGCATGCCTGCC[G>A]TCTCGTCATAGGTGAAACTGACCTTGGTGGTGTCATAGAGCGTCTCTGCCAGCTTTGACA-3'
Protein context (NP_001092286.2, residues 2027-2047): TTKVSFTYDE[Thr2037Met]AGMLKTINLQ

ClinVar aggregate classification (germline): Uncertain significance. Review status: criteria provided, single submitter (1 of 4 stars). 2 submissions from 2 submitters: Uncertain significance (1). 1 of the submissions does not count toward it. Last evaluated 2021-08-12.

Conditions:
TENM4-related disorder. Also called: TENM4-related condition.

Allele frequency attached by ClinVar (database versions not stated): ExAC 0.00003; gnomAD exomes 0.00006; gnomAD 0.00009; TOPMed 0.00013; ESP Exome Variant Server 0.00024.
gnomAD v4.1: 104 of 1,613,792 alleles (0.0064%); highest among the groups gnomAD compares: African/African-American, 0.028%; no homozygotes.

Submissions (2):

Ambry Genetics
Classification: Uncertain significance. Last evaluated: 2021-08-12. Review status: criteria provided, single submitter. Criteria: Ambry Variant Classification Scheme 2023. Collection method: clinical testing. Allele origin: germline.

PreventionGenetics, part of Exact Sciences
Classification: Uncertain significance for TENM4-related condition. Last evaluated: 2023-11-22. Review status: no assertion criteria provided. Collection method: clinical testing. Allele origin: germline. Not counted in ClinVar's aggregate classification.
Comment: The TENM4 c.6110C>T variant is predicted to result in the amino acid substitution p.Thr2037Met. To our knowledge, this variant has not been reported in the literature. This variant is reported in 0.029% of alleles in individuals of African descent in gnomAD. At this time, the clinical significance of this variant is uncertain due to the absence of conclusive functional and genetic evidence.